The following is an entry in ClinVar:

NM_033028.5(BBS4):c.573C>T (p.Tyr191=)

Gene: BBS4 (Bardet-Biedl syndrome 4; plus strand). Cytogenetic location: 15q24.1.
Variant type: single nucleotide variant.
Coding change: c.573C>T on transcript NM_033028.5 (MANE Select); coding-DNA position 573, C replaced by T.
Protein change: p.Tyr191=; no amino-acid change (tyrosine 191 retained).
Molecular consequence: synonymous variant. On other transcripts: non-coding transcript variant (2).
Genome position (GRCh38, 1-based): chr15:72,724,641, C>T. VCF-style: chr15-72724641-C-T. GRCh37 (hg19) VCF-style: chr15-73016982-C-T.
Other names: c.57C>T, p.Tyr19= (NM_001252678.2); c.573C>T, p.Tyr191= (NM_001320665.2).
Identifiers: ClinVar variation 699354 (VCV000699354.12), dbSNP rs781012019, ClinGen allele CA7646673.

ClinVar aggregate classification (germline): Likely benign. Review status: criteria provided, multiple submitters, no conflicts (2 of 4 stars). 3 submissions from 3 submitters: Likely benign (2). 1 of the submissions does not count toward it. Last evaluated 2025-12-21.

Conditions:
BBS4-related disorder. Also called: BBS4-related condition.
Bardet-Biedl syndrome (BBS). Identifiers: Orphanet 110, MedGen C0752166, MONDO:0015229.

Allele frequency attached by ClinVar (database versions not stated): gnomAD exomes below 0.00001 and 0.00001; ExAC 0.00001.
gnomAD v4.1: 8 of 1,613,900 alleles (0.0005%); highest among the groups gnomAD compares: South Asian, 0.0011%; no homozygotes.

Submissions (3):

Labcorp Genetics (formerly Invitae), Labcorp
Classification: Likely benign for Bardet-Biedl syndrome. Last evaluated: 2025-12-21. Review status: criteria provided, single submitter. Criteria: Invitae Variant Classification Sherloc (09022015). Collection method: clinical testing. Allele origin: germline.

Blueprint Genetics
Classification: Likely benign. Last evaluated: 2024-11-27. Review status: criteria provided, single submitter. Criteria: ACMG Guidelines, 2015. Collection method: clinical testing. Allele origin: germline.

PreventionGenetics, part of Exact Sciences
Classification: Likely benign for BBS4-related condition. Last evaluated: 2020-11-16. Review status: no assertion criteria provided. Collection method: clinical testing. Allele origin: germline. Not counted in ClinVar's aggregate classification.
Comment: This variant is classified as likely benign based on ACMG/AMP sequence variant interpretation guidelines (Richards et al. 2015 PMID: 25741868, with internal and published modifications).